The following is an entry in ClinVar:

NM_001365276.2(TNXB):c.10191G>T (p.Gln3397His)

Gene: TNXB (tenascin XB; minus strand). Cytogenetic location: 6p21.33.
Variant type: single nucleotide variant.
Coding change: c.10191G>T on transcript NM_001365276.2 (MANE Select); coding-DNA position 10191, G replaced by T.
Protein change: p.Gln3397His; replaces glutamine 3397 with histidine.
Molecular consequence: missense variant.
Genome position (GRCh38, 1-based): chr6:32,047,867, C>A on the plus strand (G>T on the coding strand, the complement: TNXB is on the minus strand). VCF-style: chr6-32047867-C-A. GRCh37 (hg19) VCF-style: chr6-32015644-C-A.
Other names: c.10185G>T, p.Gln3395His (NM_019105.8); short protein forms Q3397H, Q3395H.
Identifiers: ClinVar variation 2446946 (VCV002446946.2), dbSNP rs1776994239, ClinGen allele CA363531627.
Genomic context (GRCh38, chr6:32,047,867, plus strand): 5'-CCTACTGGGCTCCAGGCCCTGGACTGTGACCTCCCGCTGGTTGGCTGCCACCGGCACCAC[C>A]TGGAGCCGACCATCCTTATCCTTGTACTGGACCACGAAGGAGTCGAATTCGCCCTCAGGG-3'
Protein context (NP_001352205.1, residues 3387-3407): VQYKDKDGRL[Gln3397His]VVPVAANQRE

ClinVar aggregate classification (germline): Uncertain significance (1 of 4 stars; one submission).

Conditions:
Cardiovascular phenotype. Identifiers: MedGen CN230736.

Allele frequency attached by ClinVar (database versions not stated): TOPMed below 0.00001; gnomAD 0.00001.
gnomAD v4.1: 1 of 1,612,280 alleles (0.000062%); highest among the groups gnomAD compares: African/African-American, 0.0013%; no homozygotes.

Submission:

Ambry Genetics
Classification: Uncertain significance for Cardiovascular phenotype. Last evaluated: 2022-11-02. Review status: criteria provided, single submitter. Criteria: Ambry Variant Classification Scheme 2023. Collection method: clinical testing. Allele origin: germline.
Comment: The p.Q3395H variant (also known as c.10185G>T), located in coding exon 29 of the TNXB gene, results from a G to T substitution at nucleotide position 10185. The glutamine at codon 3395 is replaced by histidine, an amino acid with highly similar properties. This amino acid position is conserved. In addition, this alteration is predicted to be tolerated by in silico analysis. Since supporting evidence is limited at this time, the clinical significance of this alteration remains unclear.